The following is an entry in ClinVar:

ClinVar aggregate classification (germline): Conflicting classifications of pathogenicity. Review status: criteria provided, conflicting classifications (1 of 4 stars). 4 submissions from 4 submitters: Uncertain significance (3); Likely benign (1). Last evaluated 2025-12-02.

Conditions:
Hereditary breast ovarian cancer syndrome. Also called: Hereditary breast and ovarian cancer syndrome (HBOC); Hereditary breast and ovarian cancer syndrome; Breast and ovarian cancer; Hereditary breast and ovarian cancer; Hereditary breast and/or ovarian cancer syndrome; BRCA1- and BRCA2-Associated Hereditary Breast and Ovarian Cancer. Identifiers: Orphanet 145, MedGen C0677776, MeSH D061325, MONDO:0003582. Disease mechanism: loss of function.
Hereditary cancer-predisposing syndrome. Also called: Neoplastic Syndromes, Hereditary; Tumor predisposition; Hereditary neoplastic syndrome; Hereditary Cancer Syndrome. Identifiers: Orphanet 140162, MedGen C0027672, MeSH D009386, MONDO:0015356.

Allele frequency attached by ClinVar (database versions not stated): gnomAD exomes below 0.00001.
gnomAD v4.1: 1 of 1,613,772 alleles (0.000062%); highest among the groups gnomAD compares: African/African-American, 0.0013%; no homozygotes.

Submissions (4):

Labcorp Genetics (formerly Invitae), Labcorp
Classification: Uncertain significance for Hereditary breast ovarian cancer syndrome. Last evaluated: 2025-12-02. Review status: criteria provided, single submitter. Criteria: Invitae Variant Classification Sherloc (09022015). Collection method: clinical testing. Allele origin: germline.
Comment: This sequence change replaces serine, which is neutral and polar, with proline, which is neutral and non-polar, at codon 1538 of the BRCA2 protein (p.Ser1538Pro). This variant is not present in population databases (gnomAD no frequency). This variant has not been reported in the literature in individuals affected with BRCA2-related conditions. ClinVar contains an entry for this variant (Variation ID: 663713). Invitae Evidence Modeling of protein sequence and biophysical properties (such as structural, functional, and spatial information, amino acid conservation, physicochemical variation, residue mobility, and thermodynamic stability) indicates that this missense variant is not expected to disrupt BRCA2 protein function with a negative predictive value of 95%. In summary, the available evidence is currently insufficient to determine the role of this variant in disease. Therefore, it has been classified as a Variant of Uncertain Significance.

GeneDx
Classification: Uncertain significance. Last evaluated: 2025-04-23. Review status: criteria provided, single submitter. Criteria: GeneDx Variant Classification Process June 2021. Collection method: clinical testing. Allele origin: germline. Affected: yes.
Comment: Not observed at significant frequency in large population cohorts (gnomAD); In silico analysis supports that this missense variant has a deleterious effect on protein structure/function; Has not been previously published as pathogenic or benign to our knowledge; Also known as 4840T>C; This variant is associated with the following publications: (PMID: 22193408, 9002670)

Ambry Genetics
Classification: Uncertain significance for Hereditary cancer-predisposing syndrome. Last evaluated: 2024-03-16. Review status: criteria provided, single submitter. Criteria: Ambry Variant Classification Scheme 2023. Collection method: clinical testing. Allele origin: germline.
Comment: The p.S1538P variant (also known as c.4612T>C), located in coding exon 10 of the BRCA2 gene, results from a T to C substitution at nucleotide position 4612. The serine at codon 1538 is replaced by proline, an amino acid with similar properties. This amino acid position is conserved. In addition, the in silico prediction for this alteration is inconclusive. Based on the available evidence, the clinical significance of this alteration remains unclear.

University of Washington Department of Laboratory Medicine, University of Washington
Classification: Likely benign for Hereditary cancer-predisposing syndrome. Last evaluated: 2023-03-23. Review status: criteria provided, single submitter. Criteria: Dines et al. (Genet Med. 2020). Collection method: curation. Allele origin: germline.
Comment: Missense variant in a coldspot region where missense variants are very unlikely to be pathogenic (PMID:31911673).

BRCA2 exon 11 coldspot. Reclassification based on statistical prior probability.

NM_000059.4(BRCA2):c.4612T>C (p.Ser1538Pro)

Gene: BRCA2 (BRCA2 DNA repair associated; plus strand). Cytogenetic location: 13q13.1.
Variant type: single nucleotide variant.
Coding change: c.4612T>C on transcript NM_000059.4 (MANE Select); coding-DNA position 4612, T replaced by C.
Protein change: p.Ser1538Pro; replaces serine 1538 with proline.
Molecular consequence: missense variant.
Genome position (GRCh38, 1-based): chr13:32,338,967, T>C. VCF-style: chr13-32338967-T-C. GRCh37 (hg19) VCF-style: chr13-32913104-T-C.
Other names: short protein forms S1538P.
Identifiers: ClinVar variation 663713 (VCV000663713.14), dbSNP rs1566230812, ClinGen allele CA387782016.
Genomic context (GRCh38, chr13:32,338,967, plus strand): 5'-GAACCTACTCTATTGGGTTTTCATACAGCTAGCGGGAAAAAAGTTAAAATTGCAAAGGAA[T>C]CTTTGGACAAAGTGAAAAACCTTTTTGATGAAAAAGAGCAAGGTACTAGTGAAATCACCA-3'
Protein context (NP_000050.3, residues 1528-1548): SGKKVKIAKE[Ser1538Pro]LDKVKNLFDE